The following is an entry in ClinVar:

ClinVar aggregate classification (germline): Uncertain significance (1 of 4 stars; one submission).

Conditions:
Supravalvar aortic stenosis (SVAS). Also called: Supravalvar aortic stenosis, Eisenberg type. Identifiers: Orphanet 3193, MedGen C0003499, MONDO:0008504, OMIM 185500, HP:0004381.

Submission:

Labcorp Genetics (formerly Invitae), Labcorp
Classification: Uncertain significance for Supravalvar aortic stenosis. Last evaluated: 2022-04-13. Review status: criteria provided, single submitter. Criteria: Invitae Variant Classification Sherloc (09022015). Collection method: clinical testing. Allele origin: germline.
Comment: In summary, the available evidence is currently insufficient to determine the role of this variant in disease. Therefore, it has been classified as a Variant of Uncertain Significance. This variant has not been reported in the literature in individuals affected with ELN-related conditions. This variant is present in population databases (rs782342963, gnomAD 0.006%). This variant, c.1605_1622dup, results in the insertion of 6 amino acid(s) of the ELN protein (p.Val542_Gly547dup), but otherwise preserves the integrity of the reading frame.

NM_000501.4(ELN):c.1518_1535dup (p.Gly518_Ile519insValGlyValAlaProGly)

Genes: ELN-AS1 (ELN antisense RNA 1; minus strand), ELN (elastin; plus strand). Cytogenetic location: 7q11.23.
Variant type: Duplication.
Coding change: c.1518_1535dup on transcript NM_000501.4 (MANE Select); coding-DNA positions 1518 to 1535, 18 bases duplicated (AGTTGGTGTGGCTCCTGG).
Protein change: p.Gly518_Ile519insValGlyValAlaProGly.
Molecular consequence: inframe insertion.
Genome position (GRCh38, 1-based): chr7:74,059,989-74,060,006, AGTTGGTGTGGCTCCTGG duplicated; duplicating any 18 consecutive bases within chr7:74,059,978-74,060,006 gives the same sequence; the c. name uses the placement nearest the transcript's 3' end. VCF-style (leftmost placement, unchanged base first): chr7-74059977-C-CGTGGCTCCTGGAGTTGGT. GRCh37 (hg19) VCF-style: chr7-73474307-C-CGTGGCTCCTGGAGTTGGT.
Other names: c.1431_1448dup, p.Gly489_Ile490insValGlyValAlaProGly (NM_001081752.3); c.1476_1493dup, p.Gly504_Ile505insValGlyValAlaProGly (NM_001081753.3); c.1533_1550dup, p.Gly523_Ile524insValGlyValAlaProGly (NM_001081754.3); c.1461_1478dup, p.Gly499_Ile500insValGlyValAlaProGly (NM_001081755.3); c.1518_1535dup, p.Gly518_Ile519insValGlyValAlaProGly (NM_001278912.2); c.1275_1292dup, p.Gly437_Ile438insValGlyValAlaProGly (NM_001278913.2); c.1446_1463dup, p.Gly494_Ile495insValGlyValAlaProGly (NM_001278914.2); c.1536_1553dup, p.Gly524_Ile525insValGlyValAlaProGly (NM_001278915.2); and 4 more.
Identifiers: ClinVar variation 2051937 (VCV002051937.4), dbSNP rs782342963, ClinGen allele CA4293081.